The following is an entry in ClinVar:

NM_001164665.2(KIAA1549):c.4873G>A (p.Asp1625Asn)

Gene: KIAA1549 (KIAA1549; minus strand). Cytogenetic location: 7q34.
Variant type: single nucleotide variant.
Coding change: c.4873G>A on transcript NM_001164665.2 (MANE Select); coding-DNA position 4873, G replaced by A.
Protein change: p.Asp1625Asn; replaces aspartic acid 1625 with asparagine.
Molecular consequence: missense variant.
Genome position (GRCh38, 1-based): chr7:138,868,031, C>T on the plus strand (G>A on the coding strand, the complement: KIAA1549 is on the minus strand). VCF-style: chr7-138868031-C-T. GRCh37 (hg19) VCF-style: chr7-138552777-C-T.
Other names: c.4873G>A, p.Asp1625Asn (NM_020910.3); short protein forms D1625N.
Identifiers: ClinVar variation 1040104 (VCV001040104.8), dbSNP rs768672940, ClinGen allele CA167147160.

ClinVar aggregate classification (germline): Uncertain significance. Review status: criteria provided, multiple submitters, no conflicts (2 of 4 stars). 2 submissions from 2 submitters: Uncertain significance (2). Last evaluated 2024-11-27.

gnomAD v4.1: 5 of 1,613,926 alleles (0.00031%); highest among the groups gnomAD compares: Non-Finnish European, 0.00042%; no homozygotes.

Submissions (2):

Blueprint Genetics
Classification: Uncertain significance. Last evaluated: 2024-11-27. Review status: criteria provided, single submitter. Criteria: ACMG Guidelines, 2015. Collection method: clinical testing. Allele origin: germline.

Labcorp Genetics (formerly Invitae), Labcorp
Classification: Uncertain significance. Last evaluated: 2022-03-04. Review status: criteria provided, single submitter. Criteria: Invitae Variant Classification Sherloc (09022015). Collection method: clinical testing. Allele origin: germline.
Comment: ClinVar contains an entry for this variant (Variation ID: 1040104). This sequence change replaces aspartic acid, which is acidic and polar, with asparagine, which is neutral and polar, at codon 1625 of the KIAA1549 protein (p.Asp1625Asn). This variant is not present in population databases (gnomAD no frequency). This variant has not been reported in the literature in individuals affected with KIAA1549-related conditions. Algorithms developed to predict the effect of missense changes on protein structure and function are either unavailable or do not agree on the potential impact of this missense change (SIFT: "Deleterious"; PolyPhen-2: "Probably Damaging"; Align-GVGD: "Class C0"). In summary, the available evidence is currently insufficient to determine the role of this variant in disease. Therefore, it has been classified as a Variant of Uncertain Significance.